The following is an entry in ClinVar:

NM_005529.7(HSPG2):c.12097C>T (p.Arg4033Cys)

Gene: HSPG2 (heparan sulfate proteoglycan 2; minus strand). Cytogenetic location: 1p36.12.
Variant type: single nucleotide variant.
Coding change: c.12097C>T on transcript NM_005529.7 (MANE Select); coding-DNA position 12097, C replaced by T.
Protein change: p.Arg4033Cys; replaces arginine 4033 with cysteine.
Molecular consequence: missense variant.
Genome position (GRCh38, 1-based): chr1:21,828,975, G>A on the plus strand (C>T on the coding strand, the complement: HSPG2 is on the minus strand). VCF-style: chr1-21828975-G-A. GRCh37 (hg19) VCF-style: chr1-22155468-G-A.
Other names: c.12100C>T, p.Arg4034Cys (NM_001291860.2); short protein forms R4033C, R4034C.
Identifiers: ClinVar variation 2415766 (VCV002415766.4), dbSNP rs765602624, ClinGen allele CA669523.

ClinVar aggregate classification (germline): Uncertain significance (1 of 4 stars; one submission).

Allele frequency attached by ClinVar (database versions not stated): gnomAD 0.00001; gnomAD exomes 0.00002; TOPMed 0.00003; ExAC 0.00008.
gnomAD v4.1: 32 of 1,576,068 alleles (0.002%); highest among the groups gnomAD compares: Admixed American, 0.0055%; no homozygotes.

Submission:

Labcorp Genetics (formerly Invitae), Labcorp
Classification: Uncertain significance. Last evaluated: 2026-01-26. Review status: criteria provided, single submitter. Criteria: Invitae Variant Classification Sherloc (09022015). Collection method: clinical testing. Allele origin: germline.
Comment: This sequence change replaces arginine, which is basic and polar, with cysteine, which is neutral and slightly polar, at codon 4033 of the HSPG2 protein (p.Arg4033Cys). The frequency data for this variant in the population databases is considered unreliable, as metrics indicate poor data quality at this position in the gnomAD database. This variant has not been reported in the literature in individuals affected with HSPG2-related conditions. ClinVar contains an entry for this variant (Variation ID: 2415766). An algorithm developed to predict the effect of missense changes on protein structure and function (PolyPhen-2) suggests that this variant is likely to be disruptive. In summary, the available evidence is currently insufficient to determine the role of this variant in disease. Therefore, it has been classified as a Variant of Uncertain Significance.